The following is an entry in ClinVar:

NM_005236.3(ERCC4):c.1923_1924delinsGT (p.Val642Phe)

Gene: ERCC4 (ERCC excision repair 4, endonuclease catalytic subunit; plus strand). Cytogenetic location: 16p13.12.
Variant type: Indel.
Coding change: c.1923_1924delinsGT on transcript NM_005236.3 (MANE Select); coding-DNA positions 1923 to 1924, TG replaced by GT.
Protein change: p.Val642Phe; replaces valine 642 with phenylalanine.
Molecular consequence: missense variant.
Genome position (GRCh38, 1-based): chr16:13,944,741-13,944,742, TG replaced by GT. VCF-style: chr16-13944741-TG-GT. GRCh37 (hg19) VCF-style: chr16-14038598-TG-GT.
Other names: short protein forms V642F.
Identifiers: ClinVar variation 2417822 (VCV002417822.5), dbSNP rs2543191176, ClinGen allele CA2580090789.

ClinVar aggregate classification (germline): Uncertain significance (1 of 4 stars; one submission).

Conditions:
Xeroderma pigmentosum, group F (XPF). Also called: XERODERMA PIGMENTOSUM, COMPLEMENTATION GROUP F; XERODERMA PIGMENTOSUM VI; XP, GROUP F; ERCC4-Related Xeroderma Pigmentosum; XERODERMA PIGMENTOSUM, TYPE F; Xeroderma pigmentosum, type 6. Identifiers: MedGen C0268140, MONDO:0010215, OMIM 278760.
Cockayne syndrome. Identifiers: Orphanet 191, MedGen C0009207, MONDO:0016006.
Fanconi anemia complementation group Q. Identifiers: Orphanet 84, MedGen C3808988, MONDO:0014108, OMIM 615272.

Submission:

Labcorp Genetics (formerly Invitae), Labcorp
Classification: Uncertain significance for Fanconi anemia complementation group Q; Xeroderma pigmentosum, group F; Cockayne syndrome. Last evaluated: 2022-05-25. Review status: criteria provided, single submitter. Criteria: Invitae Variant Classification Sherloc (09022015). Collection method: clinical testing. Allele origin: germline.
Comment: In summary, the available evidence is currently insufficient to determine the role of this variant in disease. Therefore, it has been classified as a Variant of Uncertain Significance. Experimental studies and prediction algorithms are not available or were not evaluated, and the functional significance of this variant is currently unknown. This variant has not been reported in the literature in individuals affected with ERCC4-related conditions. Information on the frequency of this variant in the gnomAD database is not available, as this variant may be reported differently in the database. This sequence change replaces valine, which is neutral and non-polar, with phenylalanine, which is neutral and non-polar, at codon 642 of the ERCC4 protein (p.Val642Phe).